The following is an entry in ClinVar:

ClinVar aggregate classification (germline): Uncertain significance (1 of 4 stars; one submission).

gnomAD v4.1: 13 of 1,614,070 alleles (0.00081%); highest among the groups gnomAD compares: Middle Eastern, 0.12%; no homozygotes.

Submission:

Ambry Genetics
Classification: Uncertain significance. Last evaluated: 2026-01-09. Review status: criteria provided, single submitter. Criteria: Ambry Variant Classification Scheme 2023. Collection method: clinical testing. Allele origin: germline.
Comment: The c.872T>C (p.I291T) alteration is located in exon 11 (coding exon 9) of the IFT46 gene. This alteration results from a T to C substitution at nucleotide position 872, causing the isoleucine (I) at amino acid position 291 to be replaced by a threonine (T). Based on data from gnomAD, the C allele has an overall frequency of 0.004% (9/251452) total alleles studied. The highest observed frequency was 0.081% (5/6140) of Other alleles. Based on insufficient or conflicting evidence, the clinical significance of this alteration remains unclear.

NM_001168618.2(IFT46):c.719T>C (p.Ile240Thr)

Genes: IFT46 (intraflagellar transport 46; minus strand), TMEM25 (transmembrane protein 25; plus strand). Cytogenetic location: 11q23.3.
Variant type: single nucleotide variant.
Coding change: c.719T>C on transcript NM_001168618.2 (MANE Select); coding-DNA position 719, T replaced by C.
Protein change: p.Ile240Thr; replaces isoleucine 240 with threonine.
Molecular consequence: missense variant. On other transcripts: intron variant (2).
Genome position (GRCh38, 1-based): chr11:118,545,807, A>G on the plus strand (T>C on the coding strand, the complement: IFT46 is on the minus strand). VCF-style: chr11-118545807-A-G. GRCh37 (hg19) VCF-style: chr11-118416522-A-G.
Other names: c.872T>C, p.Ile291Thr (NM_020153.4); c.1028-312A>G (NM_001144037.2); c.893-312A>G (NM_001144038.2); short protein forms I291T, I240T.
Identifiers: ClinVar variation 4839134 (VCV004839134.1).